The following is an entry in ClinVar:

ClinVar aggregate classification (germline): Pathogenic. Review status: criteria provided, single submitter (1 of 4 stars). 2 submissions from 2 submitters: Pathogenic (1). 1 of the submissions does not count toward it. Last evaluated 2025-12-09.

Conditions:
Hearing loss, autosomal recessive. Also called: Autosomal recessive nonsyndromic deafness; Nonsyndromic Hearing Loss, Recessive; Deafness, autosomal recessive; Rare autosomal recessive non-syndromic sensorineural deafness type DFNB. Identifiers: Orphanet 90635, Orphanet 90636, MedGen C1846647, MONDO:0019588, OMIM 607197.
Autosomal recessive nonsyndromic hearing loss 49. Also called: Deafness, neurosensory, autosomal recessive 49. Identifiers: Orphanet 90636, MedGen C1857811, MONDO:0012420, OMIM 610153.

Allele frequency attached by ClinVar (database versions not stated): gnomAD exomes below 0.00001.

Submissions (2):

Genetics Research Center, University of Social Welfare and Rehabilitation Sciences
Classification: Pathogenic for Autosomal recessive nonsyndromic hearing loss 49. Last evaluated: 2025-12-09. Review status: criteria provided, single submitter. Criteria: ACMG Guidelines, 2015. Collection method: research. Allele origin: germline. Affected: yes.
Comment: This homozygous variant is not present in the gnomAD v2.1.1 dataset and has been previously reported in individual(s) affected with MARVELD2-related hearing loss (PMID:30303587).

University of Washington Center for Mendelian Genomics, University of Washington
Classification: Likely pathogenic for non-syndromic autosomal recessive hearing loss. Review status: no assertion criteria provided. Collection method: research. Allele origin: inherited. Affected: yes. Not counted in ClinVar's aggregate classification.

Literature cited by the submitters: PubMed 30303587 (cited by Genetics Research Center, University of Social Welfare and Rehabilitation Sciences and University of Washington Center for Mendelian Genomics, University of Washington).

NM_001038603.3(MARVELD2):c.1138C>T (p.Gln380Ter)

Gene: MARVELD2 (MARVEL domain containing 2; plus strand). Cytogenetic location: 5q13.2.
Variant type: single nucleotide variant.
Coding change: c.1138C>T on transcript NM_001038603.3 (MANE Select); coding-DNA position 1138, C replaced by T.
Protein change: p.Gln380Ter; replaces glutamine 380 with a stop codon.
Molecular consequence: nonsense.
Genome position (GRCh38, 1-based): chr5:69,420,523, C>T. VCF-style: chr5-69420523-C-T. GRCh37 (hg19) VCF-style: chr5-68716350-C-T.
Other names: c.1138C>T, p.Gln380Ter (NM_001244734.2); short protein forms Q380*.
Identifiers: ClinVar variation 996714 (VCV000996714.2), dbSNP rs1766596437, ClinGen allele CA359925795.